The following is an entry in ClinVar:

NM_199420.4(POLQ):c.3221A>C (p.Asn1074Thr)

Gene: POLQ (DNA polymerase theta; minus strand). Cytogenetic location: 3q13.33.
Variant type: single nucleotide variant.
Coding change: c.3221A>C on transcript NM_199420.4 (MANE Select); coding-DNA position 3221, A replaced by C.
Protein change: p.Asn1074Thr; replaces asparagine 1074 with threonine.
Molecular consequence: missense variant.
Genome position (GRCh38, 1-based): chr3:121,489,710, T>G on the plus strand (A>C on the coding strand, the complement: POLQ is on the minus strand). VCF-style: chr3-121489710-T-G. GRCh37 (hg19) VCF-style: chr3-121208557-T-G.
Other names: short protein forms N1074T.
Identifiers: ClinVar variation 1729083 (VCV001729083.2), dbSNP rs764862370, ClinGen allele CA2563099.
Genomic context (GRCh38, chr3:121,489,710, plus strand): 5'-GAATTTCTAAATTCCGTTTTCTTCTCATCTAAGGTAAACGGGTCTTCACAAAGACTAGGA[T>G]TAGACAGAGTCTGTCCTTGTAAATGGATTCTACACGCTCCAGAGTCTTTCAGGGGGCTGC-3'
Protein context (NP_955452.3, residues 1064-1084): RIHLQGQTLS[Asn1074Thr]PSLCEDPFTL

ClinVar aggregate classification (germline): Uncertain significance (1 of 4 stars; one submission).

Allele frequency attached by ClinVar (database versions not stated): gnomAD exomes below 0.00001; ExAC 0.00001.
gnomAD v4.1: 4 of 1,613,160 alleles (0.00025%); highest among the groups gnomAD compares: Admixed American, 0.0017%; no homozygotes.

Submission:

Ambry Genetics
Classification: Uncertain significance. Last evaluated: 2023-11-29. Review status: criteria provided, single submitter. Criteria: Ambry Variant Classification Scheme 2023. Collection method: clinical testing. Allele origin: germline.
Comment: The p.N1074T variant (also known as c.3221A>C), located in coding exon 16 of the POLQ gene, results from an A to C substitution at nucleotide position 3221. The asparagine at codon 1074 is replaced by threonine, an amino acid with similar properties. This amino acid position is conserved. In addition, this alteration is predicted to be tolerated by in silico analysis. Since supporting evidence is limited at this time, the clinical significance of this alteration remains unclear.